The following is an entry in ClinVar:

NM_032608.7(MYO18B):c.7603G>T (p.Gly2535Cys)

Gene: MYO18B (myosin XVIIIB; plus strand). Cytogenetic location: 22q12.1.
Variant type: single nucleotide variant.
Coding change: c.7603G>T on transcript NM_032608.7 (MANE Select); coding-DNA position 7603, G replaced by T.
Protein change: p.Gly2535Cys; replaces glycine 2535 with cysteine.
Molecular consequence: missense variant.
Genome position (GRCh38, 1-based): chr22:26,027,577, G>T. VCF-style: chr22-26027577-G-T. GRCh37 (hg19) VCF-style: chr22-26423543-G-T.
Other names: c.7606G>T, p.Gly2536Cys (NM_001318245.2); short protein forms G2535C, G2536C.
Identifiers: ClinVar variation 1365895 (VCV001365895.6), dbSNP rs1016478498, ClinGen allele CA322816368.

ClinVar aggregate classification (germline): Uncertain significance (1 of 4 stars; one submission).

Allele frequency attached by ClinVar (database versions not stated): gnomAD exomes below 0.00001; gnomAD 0.00001 and 0.00005; TOPMed 0.00008.
gnomAD v4.1: 9 of 1,613,876 alleles (0.00056%); highest among the groups gnomAD compares: Non-Finnish European, 0.00017%; no homozygotes.

Submission:

Labcorp Genetics (formerly Invitae), Labcorp
Classification: Uncertain significance. Last evaluated: 2025-01-01. Review status: criteria provided, single submitter. Criteria: Invitae Variant Classification Sherloc (09022015). Collection method: clinical testing. Allele origin: germline.
Comment: This sequence change replaces glycine, which is neutral and non-polar, with cysteine, which is neutral and slightly polar, at codon 2535 of the MYO18B protein (p.Gly2535Cys). This variant is not present in population databases (gnomAD no frequency). This variant has not been reported in the literature in individuals affected with MYO18B-related conditions. ClinVar contains an entry for this variant (Variation ID: 1365895). An algorithm developed to predict the effect of missense changes on protein structure and function (PolyPhen-2) suggests that this variant is likely to be disruptive. In summary, the available evidence is currently insufficient to determine the role of this variant in disease. Therefore, it has been classified as a Variant of Uncertain Significance.